The following is an entry in ClinVar:

NM_000611.6(CD59):c.254C>T (p.Thr85Met)

Gene: CD59 (CD59 molecule (CD59 blood group); minus strand). Cytogenetic location: 11p13.
Variant type: single nucleotide variant.
Coding change: c.254C>T on transcript NM_000611.6 (MANE Select); coding-DNA position 254, C replaced by T.
Protein change: p.Thr85Met; replaces threonine 85 with methionine.
Molecular consequence: missense variant.
Genome position (GRCh38, 1-based): chr11:33,710,259, G>A on the plus strand (C>T on the coding strand, the complement: CD59 is on the minus strand). VCF-style: chr11-33710259-G-A. GRCh37 (hg19) VCF-style: chr11-33731805-G-A.
Other names: c.254C>T, p.Thr85Met (NM_001127223.1, NM_001127225.2, NM_001127226.2 and 4 more transcripts); short protein forms T85M.
Identifiers: ClinVar variation 2057550 (VCV002057550.3), dbSNP rs1205512895, ClinGen allele CA380020136.

ClinVar aggregate classification (germline): Uncertain significance (1 of 4 stars; one submission).

Allele frequency attached by ClinVar (database versions not stated): TOPMed below 0.00001; gnomAD 0.00001; gnomAD exomes 0.00001.
gnomAD v4.1: 10 of 1,613,990 alleles (0.00062%); highest among the groups gnomAD compares: South Asian, 0.0044%; no homozygotes.

Submission:

Labcorp Genetics (formerly Invitae), Labcorp
Classification: Uncertain significance. Last evaluated: 2024-07-22. Review status: criteria provided, single submitter. Criteria: Invitae Variant Classification Sherloc (09022015). Collection method: clinical testing. Allele origin: germline.
Comment: This sequence change replaces threonine, which is neutral and polar, with methionine, which is neutral and non-polar, at codon 85 of the CD59 protein (p.Thr85Met). This variant is present in population databases (no rsID available, gnomAD 0.006%). This variant has not been reported in the literature in individuals affected with CD59-related conditions. ClinVar contains an entry for this variant (Variation ID: 2057550). An algorithm developed to predict the effect of missense changes on protein structure and function (PolyPhen-2) suggests that this variant is likely to be tolerated. In summary, the available evidence is currently insufficient to determine the role of this variant in disease. Therefore, it has been classified as a Variant of Uncertain Significance.